The following is an entry in ClinVar:

ClinVar aggregate classification (germline): Conflicting classifications of pathogenicity. Review status: criteria provided, conflicting classifications (1 of 4 stars). 3 submissions from 3 submitters: Uncertain significance (2); Likely benign (1). Last evaluated 2024-11-24.

Conditions:
Inborn genetic diseases. Identifiers: MedGen C0950123, MeSH D030342.
Nephronophthisis. Also called: Juvenile Nephronophthisis. Identifiers: Orphanet 655, MedGen C0687120, MONDO:0019005, HP:0000090.

Allele frequency attached by ClinVar (database versions not stated): gnomAD exomes below 0.00001; gnomAD 0.00002; TOPMed 0.00003; ESP Exome Variant Server 0.00008.

Submissions (3):

Ambry Genetics
Classification: Likely benign for Inborn genetic diseases. Last evaluated: 2024-11-24. Review status: criteria provided, single submitter. Criteria: Ambry Variant Classification Scheme 2023. Collection method: clinical testing. Allele origin: germline.

Labcorp Genetics (formerly Invitae), Labcorp
Classification: Uncertain significance for Nephronophthisis. Last evaluated: 2023-11-27. Review status: criteria provided, single submitter. Criteria: Invitae Variant Classification Sherloc (09022015). Collection method: clinical testing. Allele origin: germline.
Comment: This sequence change replaces threonine, which is neutral and polar, with alanine, which is neutral and non-polar, at codon 493 of the NPHP3 protein (p.Thr493Ala). This variant is not present in population databases (gnomAD no frequency). This variant has not been reported in the literature in individuals affected with NPHP3-related conditions. ClinVar contains an entry for this variant (Variation ID: 2067414). Algorithms developed to predict the effect of missense changes on protein structure and function output the following: SIFT: "Not Available"; PolyPhen-2: "Benign"; Align-GVGD: "Not Available". The alanine amino acid residue is found in multiple mammalian species, which suggests that this missense change does not adversely affect protein function. In summary, the available evidence is currently insufficient to determine the role of this variant in disease. Therefore, it has been classified as a Variant of Uncertain Significance.

Genetic Services Laboratory, University of Chicago
Classification: Uncertain significance. Last evaluated: 2023-02-22. Review status: criteria provided, single submitter. Criteria: ACMG Guidelines, 2015. Collection method: clinical testing. Allele origin: germline. Affected: no.
Comment: DNA sequence analysis of the NPHP3 gene demonstrated a sequence change, c.1477A>G, in exon 9 that results in an amino acid change, p.Thr493Ala. This sequence change does not appear to have been previously described in individuals with NPHP3-related disorders and has also not been described in population databases such as ExAC and gnomAD (dbSNP rs369600509). The p.Thr493Ala change affects a poorly conserved amino acid residue located in a domain of the NPHP3 protein that is known to be functional. The p.Thr493Ala substitution appears to be benign using several in-silico pathogenicity prediction tools (SIFT, PolyPhen2, Align GVGD, REVEL). Due to insufficient evidence and the lack of functional studies, the clinical significance of the p.Thr493Ala change remains unknown at this time.

NM_153240.5(NPHP3):c.1477A>G (p.Thr493Ala)

Genes: NPHP3 (nephrocystin 3; minus strand), NPHP3-ACAD11 (NPHP3-ACAD11 readthrough (NMD candidate); minus strand). Cytogenetic location: 3q22.1.
Variant type: single nucleotide variant.
Coding change: c.1477A>G on transcript NM_153240.5 (MANE Select); coding-DNA position 1477, A replaced by G.
Protein change: p.Thr493Ala; replaces threonine 493 with alanine.
Molecular consequence: missense variant. On other transcripts: non-coding transcript variant (1).
Genome position (GRCh38, 1-based): chr3:132,704,245, T>C on the plus strand (A>G on the coding strand, the complement: NPHP3 is on the minus strand). VCF-style: chr3-132704245-T-C. GRCh37 (hg19) VCF-style: chr3-132423089-T-C.
Other names: c.1477A>G (NM_153240.4); short protein forms T493A.
Identifiers: ClinVar variation 2067414 (VCV002067414.5), dbSNP rs369600509, ClinGen allele CA83595924.
Genomic context (GRCh38, chr3:132,704,245, plus strand): 5'-TCCAAGCACTTACTTTCTCAAATCCCAACTCATGGGCTGAATTAGAAGCCTGCTGAAAAG[T>C]TTCCATTTGCTCTTGTTCATCATGTATGTCCCACAGAACATCACCAAAATCATCTTCTTC-3'
Protein context (NP_694972.3, residues 483-503): DIHDEQEQME[Thr493Ala]FQQASNSAHE